The following is an entry in ClinVar:

NM_181703.4(GJA5):c.53C>T (p.Ser18Leu)

Gene: GJA5 (gap junction protein alpha 5; minus strand). Cytogenetic location: 1q21.2.
Variant type: single nucleotide variant.
Coding change: c.53C>T on transcript NM_181703.4 (MANE Select); coding-DNA position 53, C replaced by T.
Protein change: p.Ser18Leu; replaces serine 18 with leucine.
Molecular consequence: missense variant.
Genome position (GRCh38, 1-based): chr1:147,759,186, G>A on the plus strand (C>T on the coding strand, the complement: GJA5 is on the minus strand). VCF-style: chr1-147759186-G-A. GRCh37 (hg19) VCF-style: chr1-147231294-G-A.
Other names: c.53C>T, p.Ser18Leu (NM_005266.7); short protein forms S18L.
Identifiers: ClinVar variation 1316776 (VCV001316776.3), dbSNP rs782537233, ClinGen allele CA1065820.

ClinVar aggregate classification (germline): Uncertain significance. Review status: criteria provided, multiple submitters, no conflicts (2 of 4 stars). 2 submissions from 2 submitters: Uncertain significance (2). Last evaluated 2025-07-23.

Conditions:
Atrial fibrillation, familial, 11 (ATFB11). Identifiers: MedGen C3279693, MONDO:0013544, OMIM 614049.
Atrial standstill 1 (ATRST1). Also called: Atrial standstill, digenic (GJA5/SCN5A); ATRIAL CARDIOMYOPATHY WITH HEART BLOCK; CARDIOMYOPATHY, FAMILIAL, WITH CONDUCTION DISTURBANCE. Identifiers: Orphanet 1344, MedGen C4551959, MONDO:0007171, OMIM 108770.

Allele frequency attached by ClinVar (database versions not stated): ExAC 0.00001; gnomAD exomes 0.00001 and 0.00002.

Submissions (2):

Labcorp Genetics (formerly Invitae), Labcorp
Classification: Uncertain significance for Atrial fibrillation, familial, 11; Atrial standstill 1. Last evaluated: 2025-07-23. Review status: criteria provided, single submitter. Criteria: Invitae Variant Classification Sherloc (09022015). Collection method: clinical testing. Allele origin: germline.
Comment: This sequence change replaces serine, which is neutral and polar, with leucine, which is neutral and non-polar, at codon 18 of the GJA5 protein (p.Ser18Leu). This variant is present in population databases (rs782537233, gnomAD 0.0009%). This missense change has been observed in individual(s) with dilated cardiomyopathy (PMID: 37198425). ClinVar contains an entry for this variant (Variation ID: 1316776). Invitae Evidence Modeling of protein sequence and biophysical properties (such as structural, functional, and spatial information, amino acid conservation, physicochemical variation, residue mobility, and thermodynamic stability) indicates that this missense variant is expected to disrupt GJA5 protein function with a positive predictive value of 80%. In summary, the available evidence is currently insufficient to determine the role of this variant in disease. Therefore, it has been classified as a Variant of Uncertain Significance.

GeneDx
Classification: Uncertain significance. Last evaluated: 2019-04-22. Review status: criteria provided, single submitter. Criteria: GeneDx Variant Classification Process June 2021. Collection method: clinical testing. Allele origin: germline. Affected: yes.
Comment: Has not been previously published as pathogenic or benign to our knowledge; Not observed at a significant frequency in large population cohorts (Lek et al., 2016); In silico analysis, which includes protein predictors and evolutionary conservation, supports a deleterious effect

Literature cited by the submitters: PubMed 37198425 (cited by Labcorp Genetics (formerly Invitae), Labcorp).